The following is an entry in ClinVar:

NM_001379500.1(COL18A1):c.3964C>A (p.His1322Asn)

Genes: COL18A1 (collagen type XVIII alpha 1 chain; plus strand), SLC19A1 (solute carrier family 19 member 1; minus strand). Cytogenetic location: 21q22.3.
Variant type: single nucleotide variant.
Coding change: c.3964C>A on transcript NM_001379500.1 (MANE Select); coding-DNA position 3964, C replaced by A.
Protein change: p.His1322Asn; replaces histidine 1322 with asparagine.
Molecular consequence: missense variant.
Genome position (GRCh38, 1-based): chr21:45,512,342, C>A. VCF-style: chr21-45512342-C-A. GRCh37 (hg19) VCF-style: chr21-46932256-C-A.
Other names: c.4495C>A, p.His1499Asn (NM_030582.4); c.5200C>A, p.His1734Asn (NM_130444.3); short protein forms H1322N, H1734N, H1499N.
Identifiers: ClinVar variation 1437443 (VCV001437443.6), dbSNP rs1318469474, ClinGen allele CA410502403.

ClinVar aggregate classification (germline): Uncertain significance (1 of 4 stars; one submission).

Submission:

Labcorp Genetics (formerly Invitae), Labcorp
Classification: Uncertain significance. Last evaluated: 2022-11-29. Review status: criteria provided, single submitter. Criteria: Invitae Variant Classification Sherloc (09022015). Collection method: clinical testing. Allele origin: germline.
Comment: This sequence change replaces histidine, which is basic and polar, with asparagine, which is neutral and polar, at codon 1319 of the COL18A1 protein (p.His1319Asn). This variant is not present in population databases (gnomAD no frequency). This variant has not been reported in the literature in individuals affected with COL18A1-related conditions. ClinVar contains an entry for this variant (Variation ID: 1437443). Experimental studies and prediction algorithms are not available or were not evaluated, and the functional significance of this variant is currently unknown. In summary, the available evidence is currently insufficient to determine the role of this variant in disease. Therefore, it has been classified as a Variant of Uncertain Significance.